The following is an entry in ClinVar:

NM_000434.4(NEU1):c.431G>A (p.Ser144Asn)

Gene: NEU1 (neuraminidase 1; minus strand). Cytogenetic location: 6p21.33.
Variant type: single nucleotide variant.
Coding change: c.431G>A on transcript NM_000434.4 (MANE Select); coding-DNA position 431, G replaced by A.
Protein change: p.Ser144Asn; replaces serine 144 with asparagine.
Molecular consequence: missense variant.
Genome position (GRCh38, 1-based): chr6:31,861,372, C>T on the plus strand (G>A on the coding strand, the complement: NEU1 is on the minus strand). VCF-style: chr6-31861372-C-T. GRCh37 (hg19) VCF-style: chr6-31829149-C-T.
Other names: short protein forms S144N.
Identifiers: ClinVar variation 2416340 (VCV002416340.3), dbSNP rs1762502939, ClinGen allele CA363494787.

ClinVar aggregate classification (germline): Uncertain significance (1 of 4 stars; one submission).

Allele frequency attached by ClinVar (database versions not stated): gnomAD exomes below 0.00001; TOPMed 0.00001.
gnomAD v4.1: 1 of 1,613,022 alleles (0.000062%); highest among the groups gnomAD compares: Non-Finnish European, 0.000085%; no homozygotes.

Submission:

Labcorp Genetics (formerly Invitae), Labcorp
Classification: Uncertain significance. Last evaluated: 2022-07-23. Review status: criteria provided, single submitter. Criteria: Invitae Variant Classification Sherloc (09022015). Collection method: clinical testing. Allele origin: germline.
Comment: This sequence change replaces serine, which is neutral and polar, with asparagine, which is neutral and polar, at codon 144 of the NEU1 protein (p.Ser144Asn). This variant is not present in population databases (gnomAD no frequency). This variant has not been reported in the literature in individuals affected with NEU1-related conditions. Algorithms developed to predict the effect of missense changes on protein structure and function output the following: SIFT: "Tolerated"; PolyPhen-2: "Benign"; Align-GVGD: "Class C0". The asparagine amino acid residue is found in multiple mammalian species, which suggests that this missense change does not adversely affect protein function. In summary, the available evidence is currently insufficient to determine the role of this variant in disease. Therefore, it has been classified as a Variant of Uncertain Significance.